The following is an entry in ClinVar:

NM_001197104.2(KMT2A):c.11391T>C (p.Asn3797=)

Genes: KMT2A (lysine methyltransferase 2A; plus strand), TTC36-AS1 (TTC36 and KMT2A antisense RNA 1; minus strand). Cytogenetic location: 11q23.3.
Variant type: single nucleotide variant.
Coding change: c.11391T>C on transcript NM_001197104.2 (MANE Select); coding-DNA position 11391, T replaced by C.
Protein change: p.Asn3797=; no amino-acid change (asparagine 3797 retained).
Molecular consequence: synonymous variant.
Genome position (GRCh38, 1-based): chr11:118,520,026, T>C. VCF-style: chr11-118520026-T-C. GRCh37 (hg19) VCF-style: chr11-118390741-T-C.
Other names: c.11382T>C, p.Asn3794= (NM_005933.4).
Identifiers: ClinVar variation 732244 (VCV000732244.15), dbSNP rs2276058, ClinGen allele CA6304952.

ClinVar aggregate classification (germline): Benign/Likely benign. Review status: criteria provided, multiple submitters, no conflicts (2 of 4 stars). 4 submissions from 4 submitters: Benign (1); Likely benign (2). 1 of the submissions does not count toward it. Last evaluated 2025-10-23.

Conditions:
KMT2A-related disorder. Also called: KMT2A-related condition.

Allele frequency attached by ClinVar (database versions not stated): gnomAD 0.00028 and 0.00052; TOPMed 0.00051; gnomAD exomes 0.00068 and 0.00081; ExAC 0.00096; 1000 Genomes Project 30x 0.00203; 1000 Genomes Project 0.00240.
gnomAD v4.1: 1,055 of 1,614,072 alleles (0.065%); highest among the groups gnomAD compares: East Asian, 2.3%; 19 homozygotes.

Submissions (4):

Labcorp Genetics (formerly Invitae), Labcorp
Classification: Benign. Last evaluated: 2025-10-23. Review status: criteria provided, single submitter. Criteria: Invitae Variant Classification Sherloc (09022015). Collection method: clinical testing. Allele origin: germline.

Blueprint Genetics
Classification: Likely benign. Last evaluated: 2024-09-10. Review status: criteria provided, single submitter. Criteria: ACMG Guidelines, 2015. Collection method: clinical testing. Allele origin: germline.

GeneDx
Classification: Likely benign. Last evaluated: 2021-03-10. Review status: criteria provided, single submitter. Criteria: GeneDx Variant Classification Process June 2021. Collection method: clinical testing. Allele origin: germline. Affected: yes.

PreventionGenetics, part of Exact Sciences
Classification: Benign for KMT2A-related condition. Last evaluated: 2019-03-21. Review status: no assertion criteria provided. Collection method: clinical testing. Allele origin: germline. Not counted in ClinVar's aggregate classification.
Comment: This variant is classified as benign based on ACMG/AMP sequence variant interpretation guidelines (Richards et al. 2015 PMID: 25741868, with internal and published modifications).